The following is an entry in ClinVar:

NM_203447.4(DOCK8):c.1790C>T (p.Ala597Val)

Gene: DOCK8 (dedicator of cytokinesis 8; plus strand). Cytogenetic location: 9p24.3.
Variant type: single nucleotide variant.
Coding change: c.1790C>T on transcript NM_203447.4 (MANE Select); coding-DNA position 1790, C replaced by T.
Protein change: p.Ala597Val; replaces alanine 597 with valine.
Molecular consequence: missense variant.
Genome position (GRCh38, 1-based): chr9:368,128, C>T. VCF-style: chr9-368128-C-T. GRCh37 (hg19) VCF-style: chr9-368128-C-T.
Other names: p.A529V:GCG>GTG; c.1586C>T, p.Ala529Val (NM_001190458.2, NM_001193536.2); short protein forms A597V, A529V.
Identifiers: ClinVar variation 137136 (VCV000137136.22), dbSNP rs17673268, ClinGen allele CA175850.

ClinVar aggregate classification (germline): Benign/Likely benign. Review status: criteria provided, multiple submitters, no conflicts (2 of 4 stars). 9 submissions from 9 submitters: Benign (7); Likely benign (2). Last evaluated 2026-02-04.

Conditions:
Combined immunodeficiency due to DOCK8 deficiency (HIES2). Also called: HIES autosomal recessive; HYPER-IgE RECURRENT INFECTION SYNDROME 2, AUTOSOMAL RECESSIVE; HYPER-IgE SYNDROME 2, AUTOSOMAL RECESSIVE, WITH RECURRENT INFECTIONS; DOCK8 Deficiency; Hyper-IgE recurrent infection syndrome, autosomal recessive. Identifiers: Orphanet 217390, MedGen C4722305, MONDO:0009478, OMIM 243700.

Allele frequency attached by ClinVar (database versions not stated): 1000 Genomes Project 0.02935; 1000 Genomes Project 30x 0.03061; TOPMed 0.06570; gnomAD 0.07509 and 0.07826; ExAC 0.07514; ESP Exome Variant Server 0.07589; gnomAD exomes 0.07663 and 0.10187.
gnomAD v4.1: 159,029 of 1,612,634 alleles (9.9%); highest among the groups gnomAD compares: Non-Finnish European, 12%; 9,249 homozygotes.

Submissions (31):

Labcorp Genetics (formerly Invitae), Labcorp
Classification: Benign for Combined immunodeficiency due to DOCK8 deficiency. Last evaluated: 2026-02-04. Review status: criteria provided, single submitter. Criteria: Invitae Variant Classification Sherloc (09022015). Collection method: clinical testing. Allele origin: germline.

Women's Health and Genetics/Laboratory Corporation of America, LabCorp
Classification: Likely benign. Last evaluated: 2026-01-21. Review status: criteria provided, single submitter. Criteria: LabCorp Variant Classification Summary - May 2015. Collection method: clinical testing. Allele origin: germline.

Blueprint Genetics
Classification: Likely benign. Last evaluated: 2024-11-27. Review status: criteria provided, single submitter. Criteria: ACMG Guidelines, 2015. Collection method: clinical testing. Allele origin: germline.

Mayo Clinic Laboratories, Mayo Clinic
Classification: Benign. Last evaluated: 2019-05-16. Review status: criteria provided, single submitter. Criteria: ACMG Guidelines, 2015. Collection method: clinical testing. Allele origin: germline. Observed: 159 variant alleles.

Illumina Laboratory Services, Illumina
Classification: Benign for Combined immunodeficiency due to DOCK8 deficiency. Last evaluated: 2018-01-13. Review status: criteria provided, single submitter. Criteria: ICSL Variant Classification Criteria 13 December 2019. Collection method: clinical testing. Allele origin: germline.
Comment: This variant was observed in the ICSL laboratory as part of a predisposition screen in an ostensibly healthy population. It had not been previously curated by ICSL or reported in the Human Gene Mutation Database (HGMD: prior to June 1st, 2018), and was therefore a candidate for classification through an automated scoring system. Utilizing variant allele frequency, disease prevalence and penetrance estimates, and inheritance mode, an automated score was calculated to assess if this variant is too frequent to cause the disease. Based on the score and internal cut-off values, a variant classified as benign is not then subjected to further curation. The score for this variant resulted in a classification of benign for this disease.

GeneDx
Classification: Benign. Last evaluated: 2014-04-07. Review status: criteria provided, single submitter. Criteria: GeneDx Variant Classification (06012015). Collection method: clinical testing. Allele origin: germline. Affected: yes.
Comment: This variant is considered likely benign or benign based on one or more of the following criteria: it is a conservative change, it occurs at a poorly conserved position in the protein, it is predicted to be benign by multiple in silico algorithms, and/or has population frequency not consistent with disease.

Laboratory for Molecular Medicine, Mass General Brigham Personalized Medicine
Classification: Benign. Last evaluated: 2013-02-21. Review status: criteria provided, single submitter. Criteria: LMM Criteria. Collection method: clinical testing. Allele origin: germline. Observed: 6 variant alleles.
Comment: Ala597Val in exon 15 of DOCK8: This variant is not expected to have clinical sig nificance because it has been identified in 10.6% (912/8600) of European America n chromosomes from a broad population by the NHLBI Exome Sequencing Project (dbSNP rs17673268).

Breakthrough Genomics
Classification: Benign. Review status: criteria provided, single submitter. Criteria: ACMG Guidelines, 2015. Collection method: not provided. Allele origin: germline. Inheritance: Autosomal recessive inheritance. Affected: yes.

PreventionGenetics, part of Exact Sciences
Classification: Benign. Review status: criteria provided, single submitter. Criteria: ACMG Guidelines, 2015. Collection method: clinical testing. Allele origin: germline.

Dr. Peter K. Rogan Lab, Western University
No classification provided (evidence only). Condition: Colorectal cancer. Review status: no classification provided. Collection method: in vitro. Allele origin: not applicable. Functional consequence: retained intron. Not counted in ClinVar's aggregate classification.

Dr. Peter K. Rogan Lab, Western University
No classification provided (evidence only). Condition: Colorectal cancer. Review status: no classification provided. Collection method: in vitro. Allele origin: not applicable. Functional consequence: retained intron. Not counted in ClinVar's aggregate classification.

Dr. Peter K. Rogan Lab, Western University
No classification provided (evidence only). Condition: Malignant lymphoma, large B-cell, diffuse. Review status: no classification provided. Collection method: in vitro. Allele origin: not applicable. Functional consequence: retained intron. Not counted in ClinVar's aggregate classification.

Dr. Peter K. Rogan Lab, Western University
No classification provided (evidence only). Condition: Malignant lymphoma, large B-cell, diffuse. Review status: no classification provided. Collection method: in vitro. Allele origin: not applicable. Functional consequence: retained intron. Not counted in ClinVar's aggregate classification.

Dr. Peter K. Rogan Lab, Western University
No classification provided (evidence only). Condition: Malignant lymphoma, large B-cell, diffuse. Review status: no classification provided. Collection method: in vitro. Allele origin: not applicable. Functional consequence: retained intron. Not counted in ClinVar's aggregate classification.

Dr. Peter K. Rogan Lab, Western University
No classification provided (evidence only). Condition: Thymoma. Review status: no classification provided. Collection method: in vitro. Allele origin: not applicable. Functional consequence: retained intron. Not counted in ClinVar's aggregate classification.

Dr. Peter K. Rogan Lab, Western University
No classification provided (evidence only). Condition: Thymoma. Review status: no classification provided. Collection method: in vitro. Allele origin: not applicable. Functional consequence: retained intron. Not counted in ClinVar's aggregate classification.

Dr. Peter K. Rogan Lab, Western University
No classification provided (evidence only). Condition: Thymoma. Review status: no classification provided. Collection method: in vitro. Allele origin: not applicable. Functional consequence: retained intron. Not counted in ClinVar's aggregate classification.

Dr. Peter K. Rogan Lab, Western University
No classification provided (evidence only). Condition: Thymoma. Review status: no classification provided. Collection method: in vitro. Allele origin: not applicable. Functional consequence: retained intron. Not counted in ClinVar's aggregate classification.

Dr. Peter K. Rogan Lab, Western University
No classification provided (evidence only). Condition: Thymoma. Review status: no classification provided. Collection method: in vitro. Allele origin: not applicable. Functional consequence: retained intron. Not counted in ClinVar's aggregate classification.

Dr. Peter K. Rogan Lab, Western University
No classification provided (evidence only). Condition: Thymoma. Review status: no classification provided. Collection method: in vitro. Allele origin: not applicable. Functional consequence: retained intron. Not counted in ClinVar's aggregate classification.

Dr. Peter K. Rogan Lab, Western University
No classification provided (evidence only). Condition: Adrenocortical carcinoma, hereditary. Review status: no classification provided. Collection method: in vitro. Allele origin: not applicable. Functional consequence: retained intron. Not counted in ClinVar's aggregate classification.

Dr. Peter K. Rogan Lab, Western University
No classification provided (evidence only). Condition: Adrenocortical carcinoma, hereditary. Review status: no classification provided. Collection method: in vitro. Allele origin: not applicable. Functional consequence: retained intron. Not counted in ClinVar's aggregate classification.

Dr. Peter K. Rogan Lab, Western University
No classification provided (evidence only). Condition: Adrenocortical carcinoma, hereditary. Review status: no classification provided. Collection method: in vitro. Allele origin: not applicable. Functional consequence: retained intron. Not counted in ClinVar's aggregate classification.

Dr. Peter K. Rogan Lab, Western University
No classification provided (evidence only). Condition: Adrenocortical carcinoma, hereditary. Review status: no classification provided. Collection method: in vitro. Allele origin: not applicable. Functional consequence: retained intron. Not counted in ClinVar's aggregate classification.

Dr. Peter K. Rogan Lab, Western University
No classification provided (evidence only). Condition: Uterine carcinosarcoma. Review status: no classification provided. Collection method: in vitro. Allele origin: not applicable. Functional consequence: retained intron. Not counted in ClinVar's aggregate classification.

Dr. Peter K. Rogan Lab, Western University
No classification provided (evidence only). Condition: Uterine carcinosarcoma. Review status: no classification provided. Collection method: in vitro. Allele origin: not applicable. Functional consequence: retained intron. Not counted in ClinVar's aggregate classification.

Dr. Peter K. Rogan Lab, Western University
No classification provided (evidence only). Condition: Uterine carcinosarcoma. Review status: no classification provided. Collection method: in vitro. Allele origin: not applicable. Functional consequence: retained intron. Not counted in ClinVar's aggregate classification.

Dr. Peter K. Rogan Lab, Western University
No classification provided (evidence only). Condition: Uveal melanoma. Review status: no classification provided. Collection method: in vitro. Allele origin: not applicable. Functional consequence: retained intron. Not counted in ClinVar's aggregate classification.

Dr. Peter K. Rogan Lab, Western University
No classification provided (evidence only). Condition: Uveal melanoma. Review status: no classification provided. Collection method: in vitro. Allele origin: not applicable. Functional consequence: retained intron. Not counted in ClinVar's aggregate classification.

Dr. Peter K. Rogan Lab, Western University
No classification provided (evidence only). Condition: Uveal melanoma. Review status: no classification provided. Collection method: in vitro. Allele origin: not applicable. Functional consequence: retained intron. Not counted in ClinVar's aggregate classification.

Dr. Peter K. Rogan Lab, Western University
No classification provided (evidence only). Condition: Uveal melanoma. Review status: no classification provided. Collection method: in vitro. Allele origin: not applicable. Functional consequence: retained intron. Not counted in ClinVar's aggregate classification.